The following is an entry in ClinVar:

ClinVar aggregate classification (germline): Benign (0 of 4 stars; one submission).

Conditions:
PCDHA9-related disorder. Also called: PCDHA9-related condition.

Allele frequency attached by ClinVar (database versions not stated): 1000 Genomes Project 30x 0.06949.
gnomAD v4.1: 17,121 of 1,597,124 alleles (1.1%); highest among the groups gnomAD compares: African/African-American, 20%; 2,348 homozygotes.

Submission:

PreventionGenetics, part of Exact Sciences
Classification: Benign for PCDHA9-related condition. Last evaluated: 2020-09-30. Review status: no assertion criteria provided. Collection method: clinical testing. Allele origin: germline.
Comment: This variant is classified as benign based on ACMG/AMP sequence variant interpretation guidelines (Richards et al. 2015 PMID: 25741868, with internal and published modifications).

NM_031857.2(PCDHA9):c.1501G>C (p.Glu501Gln)

Genes: PCDHA1 (protocadherin alpha 1; plus strand), PCDHA2 (protocadherin alpha 2; plus strand), PCDHA3 (protocadherin alpha 3; plus strand), PCDHA4 (protocadherin alpha 4; plus strand), PCDHA5 (protocadherin alpha 5; plus strand) and 5 more. Cytogenetic location: 5q31.3.
Variant type: single nucleotide variant.
Coding change: c.1501G>C on transcript NM_031857.2 (MANE Select); coding-DNA position 1501, G replaced by C.
Protein change: p.Glu501Gln; replaces glutamic acid 501 with glutamine.
Molecular consequence: missense variant. On other transcripts: intron variant (10).
Genome position (GRCh38, 1-based): chr5:140,849,996, G>C. VCF-style: chr5-140849996-G-C. GRCh37 (hg19) VCF-style: chr5-140229581-G-C.
Other names: c.2388+52644G>C (NM_018905.3); c.2394+46405G>C (NM_018906.3); c.2385+40424G>C (NM_018907.4); c.2352+25869G>C (NM_018908.3); c.2394+19511G>C (NM_018909.4); c.1602+20303G>C (NM_031849.3); c.2355+13258G>C (NM_018910.3); c.2394+6281G>C (NM_018911.3); and 3 more; short protein forms E501Q.
Identifiers: ClinVar variation 3055538 (VCV003055538.2), dbSNP rs59056023, ClinGen allele CA3450498.
Genomic context (GRCh38, chr5:140,849,996, plus strand): 5'-GACGCTGACGCGCAGGAGAACGCCCTGGTGTCCTACTCGCTGGTGGAGCGGCGGTTGGGC[G>C]AGCGCTCGCTGTCGAGCTACGTGTCAGTGCACGCGGAGAGCGGCAAGGTGTACGCGCTGC-3'
Protein context (NP_114063.1, residues 491-511): SYSLVERRLG[Glu501Gln]RSLSSYVSVH